The following is an entry in ClinVar:

NM_001166108.2(PALLD):c.1358C>G (p.Ala453Gly)

Gene: PALLD (palladin, cytoskeletal associated protein; plus strand). Cytogenetic location: 4q32.3.
Variant type: single nucleotide variant.
Coding change: c.1358C>G on transcript NM_001166108.2 (MANE Select); coding-DNA position 1358, C replaced by G.
Protein change: p.Ala453Gly; replaces alanine 453 with glycine.
Molecular consequence: missense variant.
Genome position (GRCh38, 1-based): chr4:168,690,625, C>G. VCF-style: chr4-168690625-C-G. GRCh37 (hg19) VCF-style: chr4-169611776-C-G.
Other names: c.212C>G, p.Ala71Gly (NM_001166109.2); c.1358C>G, p.Ala453Gly (NM_016081.4); short protein forms A453G, A71G.
Identifiers: ClinVar variation 3226731 (VCV003226731.1), dbSNP rs142714330, ClinGen allele CA358795348.

ClinVar aggregate classification (germline): Uncertain significance (1 of 4 stars; one submission).

gnomAD v4.1: 1 of 1,614,154 alleles (0.000062%); highest among the groups gnomAD compares: African/African-American, 0.0013%; no homozygotes.

Submission:

Ambry Genetics
Classification: Uncertain significance. Last evaluated: 2023-12-31. Review status: criteria provided, single submitter. Criteria: Ambry Variant Classification Scheme 2023. Collection method: clinical testing. Allele origin: germline.
Comment: The p.A453G variant (also known as c.1358C>G), located in coding exon 6 of the PALLD gene, results from a C to G substitution at nucleotide position 1358. The alanine at codon 453 is replaced by glycine, an amino acid with similar properties. This amino acid position is conserved. In addition, this alteration is predicted to be tolerated by in silico analysis. Since supporting evidence is limited at this time, the clinical significance of this alteration remains unclear.